The following is an entry in ClinVar:

NM_020921.4(NIN):c.878G>C (p.Arg293Pro)

Gene: NIN (ninein; minus strand). Cytogenetic location: 14q22.1.
Variant type: single nucleotide variant.
Coding change: c.878G>C on transcript NM_020921.4 (MANE Select); coding-DNA position 878, G replaced by C.
Protein change: p.Arg293Pro; replaces arginine 293 with proline.
Molecular consequence: missense variant.
Genome position (GRCh38, 1-based): chr14:50,772,404, C>G on the plus strand (G>C on the coding strand, the complement: NIN is on the minus strand). VCF-style: chr14-50772404-C-G. GRCh37 (hg19) VCF-style: chr14-51239122-C-G.
Other names: c.878G>C, p.Arg293Pro (NM_016350.5, NM_182944.3, NM_182946.2); short protein forms R293P.
Identifiers: ClinVar variation 2021196 (VCV002021196.4), dbSNP rs772314635, ClinGen allele CA389668661.

ClinVar aggregate classification (germline): Uncertain significance (1 of 4 stars; one submission).

gnomAD v4.1: 9 of 1,614,158 alleles (0.00056%); highest among the groups gnomAD compares: Non-Finnish European, 0.00068%; no homozygotes.

Submission:

Labcorp Genetics (formerly Invitae), Labcorp
Classification: Uncertain significance. Last evaluated: 2022-08-02. Review status: criteria provided, single submitter. Criteria: Invitae Variant Classification Sherloc (09022015). Collection method: clinical testing. Allele origin: germline.
Comment: This variant has not been reported in the literature in individuals affected with NIN-related conditions. This variant is not present in population databases (gnomAD no frequency). This sequence change replaces arginine, which is basic and polar, with proline, which is neutral and non-polar, at codon 293 of the NIN protein (p.Arg293Pro). Algorithms developed to predict the effect of missense changes on protein structure and function are either unavailable or do not agree on the potential impact of this missense change (SIFT: "Tolerated"; PolyPhen-2: "Possibly Damaging"; Align-GVGD: "Class C0"). In summary, the available evidence is currently insufficient to determine the role of this variant in disease. Therefore, it has been classified as a Variant of Uncertain Significance.